The following is an entry in ClinVar:

NM_000051.4(ATM):c.3181del (p.Asn1062fs)

Gene: ATM (ATM serine/threonine kinase; plus strand). Cytogenetic location: 11q22.3.
Variant type: Deletion.
Coding change: c.3181del on transcript NM_000051.4 (MANE Select); coding-DNA position 3181, one base deleted (C; older notation c.3181delC).
Protein change: p.Asn1062fs; shifts the reading frame from asparagine 1062.
Molecular consequence: frameshift variant.
Genome position (GRCh38, 1-based): chr11:108,272,749, C deleted. VCF-style (leftmost placement, unchanged base first): chr11-108272748-TC-T. GRCh37 (hg19) VCF-style: chr11-108143475-TC-T.
Other names: c.3181delC (NM_000051.3); c.3181del, p.Asn1062fs (NM_001351834.2); short protein forms N1062fs.
Identifiers: ClinVar variation 845557 (VCV000845557.8), dbSNP rs2081660777, ClinGen allele CA916079950.
Genomic context (GRCh38, chr11:108,272,748, plus strand): 5'-TATTTCATATTTAACCACAGTTCTTTTCCCGTAGGCTGATCCTTATTCAAAATGGGCCAT[TC>T]TTAATGTAATGGGAAAAGACTTTCCTGTAAATGAAGTATTTACACAATTTCTTGCTGACA-3'

ClinVar aggregate classification (germline): Pathogenic. Review status: criteria provided, multiple submitters, no conflicts (2 of 4 stars). 2 submissions from 2 submitters: Pathogenic (2). Last evaluated 2025-09-05.

Conditions:
Hereditary cancer-predisposing syndrome. Also called: Neoplastic Syndromes, Hereditary; Hereditary neoplastic syndrome; Tumor predisposition; Hereditary Cancer Syndrome. Identifiers: Orphanet 140162, MedGen C0027672, MeSH D009386, MONDO:0015356.
Ataxia-telangiectasia syndrome (AT). Also called: Ataxia-telangiectasia, complementation group D; AT, COMPLEMENTATION GROUP C; Ataxia telangiectasia (A-T); Cerebello-oculocutaneous telangiectasia; Immunodeficiency with ataxia telangiectasia; Ataxia-telangiectasia. Identifiers: Orphanet 100, MedGen C0004135, MONDO:0008840, OMIM 208900.

Submissions (2):

Ambry Genetics
Classification: Pathogenic for Hereditary cancer-predisposing syndrome. Last evaluated: 2025-09-05. Review status: criteria provided, single submitter. Criteria: Ambry Variant Classification Scheme 2023. Collection method: clinical testing. Allele origin: germline.
Comment: The c.3181delC pathogenic mutation, located in coding exon 21 of the ATM gene, results from a deletion of one nucleotide at nucleotide position 3181, causing a translational frameshift with a predicted alternate stop codon (p.N1062Mfs*2). This variant is considered to be rare based on population cohorts in the Genome Aggregation Database (gnomAD). This alteration is expected to result in loss of function by premature protein truncation or nonsense-mediated mRNA decay. As such, this alteration is interpreted as a disease-causing mutation.

Labcorp Genetics (formerly Invitae), Labcorp
Classification: Pathogenic for Ataxia-telangiectasia syndrome. Last evaluated: 2024-08-06. Review status: criteria provided, single submitter. Criteria: Invitae Variant Classification Sherloc (09022015). Collection method: clinical testing. Allele origin: germline.
Comment: This sequence change creates a premature translational stop signal (p.Asn1062Metfs*2) in the ATM gene. It is expected to result in an absent or disrupted protein product. Loss-of-function variants in ATM are known to be pathogenic (PMID: 23807571, 25614872). This variant is not present in population databases (gnomAD no frequency). This variant has not been reported in the literature in individuals affected with ATM-related conditions. ClinVar contains an entry for this variant (Variation ID: 845557). For these reasons, this variant has been classified as Pathogenic.

Literature cited by the submitters: PubMed 23807571 (cited by Labcorp Genetics (formerly Invitae), Labcorp); PubMed 25614872 (cited by Labcorp Genetics (formerly Invitae), Labcorp).